The following is an entry in ClinVar:

NM_001206744.2(TPO):c.358_361delinsAT (p.Ser120fs)

Gene: TPO (thyroid peroxidase; plus strand). Cytogenetic location: 2p25.3.
Variant type: Indel.
Coding change: c.358_361delinsAT on transcript NM_001206744.2 (MANE Select); coding-DNA positions 358 to 361, TCAG replaced by AT.
Protein change: p.Ser120fs; shifts the reading frame from serine 120.
Molecular consequence: frameshift variant.
Genome position (GRCh38, 1-based): chr2:1,436,260-1,436,263, TCAG replaced by AT. VCF-style: chr2-1436260-TCAG-AT. GRCh37 (hg19) VCF-style: chr2-1440032-TCAG-AT.
Other names: c.358_361delinsAT, p.Ser120fs (NM_000547.6, NM_001206745.2, NM_175719.4 and 2 more transcripts); c.358_361delTCAGinsAT (NM_000547.5); short protein forms S120fs.
Identifiers: ClinVar variation 817472 (VCV000817472.1), dbSNP rs1573174859, ClinGen allele CA915942119.

ClinVar aggregate classification (germline): Likely pathogenic (1 of 4 stars; one submission).

Submission:

GeneDx
Classification: Likely pathogenic. Last evaluated: 2019-02-19. Review status: criteria provided, single submitter. Criteria: GeneDx Variant Classification (06012015). Collection method: clinical testing. Allele origin: germline. Affected: yes.
Comment: A variant that is likely pathogenic has been identified in the TPO gene. The c.358_361delTCAGinsAT variant has not been published as a pathogenic variant, nor has it been reported as a benign variant to our knowledge. The c.358_361delTCAGinsAT variant causes a frameshift starting with codon Serine 120, changes this amino acid to an Isoleucine residue and creates a premature Stop codon at position 62 of the new reading frame, denoted p.Ser120IlefsX62. This variant is predicted to cause loss of normal protein function either through protein truncation or nonsense-mediated mRNA decay. The c.358_361delTCAGinsAT variant is not observed in large population cohorts (Lek et al., 2016). Therefore, this variant is likely pathogenic; however, the possibility that it is benign cannot be excluded.